The following is an entry in ClinVar:

NM_000719.7(CACNA1C):c.4399-79C>A

Gene: CACNA1C (calcium voltage-gated channel subunit alpha1 C; plus strand). Cytogenetic location: 12p13.33.
Variant type: single nucleotide variant.
Coding change: c.4399-79C>A on transcript NM_000719.7 (MANE Select); 79 bases into the intron before coding-DNA position 4399, C replaced by A.
Molecular consequence: intron variant.
Genome position (GRCh38, 1-based): chr12:2,665,502, C>A. VCF-style: chr12-2665502-C-A. GRCh37 (hg19) VCF-style: chr12-2774668-C-A.
Other names: c.4399-79C>A (NM_001167624.3, NM_001167623.2, NM_001129840.2 and 7 more transcripts); c.4366-79C>A (NM_001167625.2, NM_001129837.2, NM_001129838.2 and 1 more transcripts); c.4543-79C>A (NM_199460.4, NM_001129827.2); c.4459-79C>A (NM_001129832.2); c.4483-79C>A (NM_001129831.2); c.4465-79C>A (NM_001129829.2); c.4360-79C>A (NM_001129839.2); c.4450-79C>A (NM_001129836.2); and 1 more.
Identifiers: ClinVar variation 670934 (VCV000670934.9), dbSNP rs2302728, ClinGen allele CA231598362.
Genomic context (GRCh38, chr12:2,665,502, plus strand): 5'-TCTCAGGCTGGTAGGATGGATGACTGGTCTTTAGAAATGTTGGCTTCTGCCATCAGTAGG[C>A]CCCAGCTGGCAAGGGGGTTCCAGAGGCAGGTGTGTAGGAAGGTCTTCTCACAGCACCTCA-3'

ClinVar aggregate classification (germline): Benign. Review status: criteria provided, multiple submitters, no conflicts (2 of 4 stars). 4 submissions from 4 submitters: Benign (4). Last evaluated 2021-07-14.

Conditions:
Long QT syndrome (LQTS). Identifiers: MedGen C0023976, MeSH D008133, MONDO:0002442. Disease mechanism: loss of function. Inheritance: Various modes of inheritance.
Timothy syndrome (TS). Also called: LONG QT SYNDROME WITH SYNDACTYLY. Identifiers: Orphanet 65283, MedGen C1832916, MeSH C536962, MONDO:0010979, OMIM 601005.

Allele frequency attached by ClinVar (database versions not stated): 1000 Genomes Project 30x 0.59275; 1000 Genomes Project 0.59345; TOPMed 0.60886; gnomAD 0.61634 and 0.62253.
gnomAD v4.1: 1,071,886 of 1,517,724 alleles (71%); highest among the groups gnomAD compares: Admixed American, 80%; 385,268 homozygotes.

Submissions (4):

Genome-Nilou Lab
Classification: Benign for Timothy syndrome. Last evaluated: 2021-07-14. Review status: criteria provided, single submitter. Criteria: ACMG Guidelines, 2015. Collection method: clinical testing. Allele origin: germline. Affected: no.

Labcorp Genetics (formerly Invitae), Labcorp
Classification: Benign for Long QT syndrome. Last evaluated: 2019-12-31. Review status: criteria provided, single submitter. Criteria: Invitae Variant Classification Sherloc (09022015). Collection method: clinical testing. Allele origin: germline.

GeneDx
Classification: Benign. Last evaluated: 2018-06-14. Review status: criteria provided, single submitter. Criteria: GeneDx Variant Classification (06012015). Collection method: clinical testing. Allele origin: germline. Affected: yes.
Comment: This variant is considered likely benign or benign based on one or more of the following criteria: it is a conservative change, it occurs at a poorly conserved position in the protein, it is predicted to be benign by multiple in silico algorithms, and/or has population frequency not consistent with disease.

Breakthrough Genomics
Classification: Benign. Review status: criteria provided, single submitter. Criteria: ACMG Guidelines, 2015. Collection method: not provided. Allele origin: germline. Inheritance: Autosomal dominant inheritance. Affected: yes.